The following is an entry in ClinVar:

NM_020247.5(COQ8A):c.909C>T (p.Ser303=)

Gene: COQ8A (coenzyme Q8A; plus strand). Cytogenetic location: 1q42.13.
Variant type: single nucleotide variant.
Coding change: c.909C>T on transcript NM_020247.5 (MANE Select); coding-DNA position 909, C replaced by T.
Protein change: p.Ser303=; no amino-acid change (serine 303 retained).
Molecular consequence: synonymous variant.
Genome position (GRCh38, 1-based): chr1:226,982,733, C>T. VCF-style: chr1-226982733-C-T. GRCh37 (hg19) VCF-style: chr1-227170434-C-T.
Identifiers: ClinVar variation 995261 (VCV000995261.12), dbSNP rs202036077, ClinGen allele CA1425210.

ClinVar aggregate classification (germline): Benign/Likely benign. Review status: criteria provided, multiple submitters, no conflicts (2 of 4 stars). 4 submissions from 4 submitters: Benign (1); Likely benign (2). 1 of the submissions does not count toward it. Last evaluated 2026-09-01.

Conditions:
COQ8A-related disorder. Also called: COQ8A-related condition.

Allele frequency attached by ClinVar (database versions not stated): gnomAD 0.00001 and 0.00002; gnomAD exomes 0.00005 and 0.00023; TOPMed 0.00008; 1000 Genomes Project 30x 0.00016; 1000 Genomes Project 0.00020; ExAC 0.00025.
gnomAD v4.1: 74 of 1,613,690 alleles (0.0046%); highest among the groups gnomAD compares: Admixed American, 0.1%; no homozygotes.

Submissions (4):

CeGaT Center for Human Genetics Tuebingen
Classification: Likely benign. Last evaluated: 2026-09-01. Review status: criteria provided, single submitter. Criteria: CeGaT Center For Human Genetics Tuebingen Variant Classification Criteria Version 2. Collection method: clinical testing. Allele origin: germline. Affected: yes. Observed: 1 variant allele.
Comment: COQ8A: BP4, BP7

Labcorp Genetics (formerly Invitae), Labcorp
Classification: Likely benign. Last evaluated: 2025-10-01. Review status: criteria provided, single submitter. Criteria: Invitae Variant Classification Sherloc (09022015). Collection method: clinical testing. Allele origin: germline.

Athena Diagnostics
Classification: Benign. Last evaluated: 2019-11-18. Review status: criteria provided, single submitter. Criteria: Athena Diagnostics Criteria. Collection method: clinical testing. Allele origin: unknown.

PreventionGenetics, part of Exact Sciences
Classification: Likely benign for COQ8A-related condition. Last evaluated: 2023-06-13. Review status: no assertion criteria provided. Collection method: clinical testing. Allele origin: germline. Not counted in ClinVar's aggregate classification.
Comment: This variant is classified as likely benign based on ACMG/AMP sequence variant interpretation guidelines (Richards et al. 2015 PMID: 25741868, with internal and published modifications).